The following is an entry in ClinVar:

ClinVar aggregate classification (germline): Uncertain significance. Review status: criteria provided, multiple submitters, no conflicts (2 of 4 stars). 2 submissions from 2 submitters: Uncertain significance (2). Last evaluated 2024-12-12.

Conditions:
Inborn genetic diseases. Identifiers: MedGen C0950123, MeSH D030342.

Submissions (2):

Ambry Genetics
Classification: Uncertain significance for Inborn genetic diseases. Last evaluated: 2024-12-12. Review status: criteria provided, single submitter. Criteria: Ambry Variant Classification Scheme 2023. Collection method: clinical testing. Allele origin: germline.

GeneDx
Classification: Uncertain significance. Last evaluated: 2024-04-11. Review status: criteria provided, single submitter. Criteria: GeneDx Variant Classification Process June 2021. Collection method: clinical testing. Allele origin: germline. Affected: yes.
Comment: Not observed at significant frequency in large population cohorts (gnomAD); In silico analysis supports that this missense variant has a deleterious effect on protein structure/function; Has not been previously published as pathogenic or benign to our knowledge

NM_182916.3(TRNT1):c.130G>A (p.Gly44Arg)

Gene: TRNT1 (tRNA nucleotidyl transferase 1; plus strand). Cytogenetic location: 3p26.2.
Variant type: single nucleotide variant.
Coding change: c.130G>A on transcript NM_182916.3 (MANE Select); coding-DNA position 130, G replaced by A.
Protein change: p.Gly44Arg; replaces glycine 44 with arginine.
Molecular consequence: missense variant. On other transcripts: non-coding transcript variant (11).
Genome position (GRCh38, 1-based): chr3:3,129,170, G>A. VCF-style: chr3-3129170-G-A. GRCh37 (hg19) VCF-style: chr3-3170854-G-A.
Other names: c.130G>A, p.Gly44Arg (NM_001302946.2, NM_001367321.1, NM_001367322.1 and 1 more transcripts); short protein forms G44R.
Identifiers: ClinVar variation 3372369 (VCV003372369.2).